The following is an entry in ClinVar:

ClinVar aggregate classification (germline): Benign (1 of 4 stars; one submission).

Allele frequency attached by ClinVar (database versions not stated): gnomAD exomes 0.12961; gnomAD 0.37109 and 0.37822.
gnomAD v4.1: 65,109 of 424,902 alleles (15%); highest among the groups gnomAD compares: South Asian, 18%; 6,380 homozygotes.

Submission:

GeneDx
Classification: Benign. Last evaluated: 2018-06-14. Review status: criteria provided, single submitter. Criteria: GeneDx Variant Classification (06012015). Collection method: clinical testing. Allele origin: germline. Affected: yes.
Comment: This variant is considered likely benign or benign based on one or more of the following criteria: it is a conservative change, it occurs at a poorly conserved position in the protein, it is predicted to be benign by multiple in silico algorithms, and/or has population frequency not consistent with disease.

NM_000744.7(CHRNA4):c.384-189C>T

Gene: CHRNA4 (cholinergic receptor nicotinic alpha 4 subunit; minus strand). Cytogenetic location: 20q13.33.
Variant type: single nucleotide variant.
Coding change: c.384-189C>T on transcript NM_000744.7 (MANE Select); 189 bases into the intron before coding-DNA position 384, C replaced by T.
Molecular consequence: intron variant.
Genome position (GRCh38, 1-based): chr20:63,351,216, G>A on the plus strand (C>T on the coding strand, the complement: CHRNA4 is on the minus strand). VCF-style: chr20-63351216-G-A. GRCh37 (hg19) VCF-style: chr20-61982568-G-A.
Other names: c.-145-189C>T (NM_001256573.2).
Identifiers: ClinVar variation 679906 (VCV000679906.1), dbSNP rs78581196, ClinGen allele CA317436968.
Genomic context (GRCh38, chr20:63,351,216, plus strand): 5'-CCCACATCCACGTCCACGCCCACATCCATGTCCCACGCCCACATCCACACCCACGTCCAC[G>A]TCCACGCCCACATCCACACCCACGTCCACGTCCACGTCCACGTCCACACACAGAGGCATT-3'